The following is an entry in ClinVar:

ClinVar aggregate classification (germline): Uncertain significance. Review status: criteria provided, multiple submitters, no conflicts (2 of 4 stars). 2 submissions from 2 submitters: Uncertain significance (2). Last evaluated 2024-10-16.

Conditions:
Familial focal epilepsy with variable foci (FPEVF). Identifiers: Orphanet 98820, MedGen C1858477, MONDO:0020310.

Allele frequency attached by ClinVar (database versions not stated): gnomAD 0.00001; gnomAD exomes 0.00002.
gnomAD v4.1: 6 of 1,610,590 alleles (0.00037%); highest among the groups gnomAD compares: Admixed American, 0.0067%; no homozygotes.

Submissions (2):

Labcorp Genetics (formerly Invitae), Labcorp
Classification: Uncertain significance for Familial focal epilepsy with variable foci. Last evaluated: 2024-10-16. Review status: criteria provided, single submitter. Criteria: Invitae Variant Classification Sherloc (09022015). Collection method: clinical testing. Allele origin: germline.
Comment: This sequence change replaces alanine, which is neutral and non-polar, with threonine, which is neutral and polar, at codon 1275 of the DEPDC5 protein (p.Ala1275Thr). This variant is present in population databases (no rsID available, gnomAD 0.01%). This missense change has been observed in individual(s) with clinical features of DEPDC5-related conditions (internal data). ClinVar contains an entry for this variant (Variation ID: 840765). An algorithm developed to predict the effect of missense changes on protein structure and function outputs the following: PolyPhen-2: "Not Available". The threonine amino acid residue is found in multiple mammalian species, which suggests that this missense change does not adversely affect protein function. In summary, the available evidence is currently insufficient to determine the role of this variant in disease. Therefore, it has been classified as a Variant of Uncertain Significance.

GeneDx
Classification: Uncertain significance. Last evaluated: 2023-02-12. Review status: criteria provided, single submitter. Criteria: GeneDx Variant Classification Process June 2021. Collection method: clinical testing. Allele origin: germline. Affected: yes.
Comment: In silico analysis supports that this missense variant does not alter protein structure/function; Has not been previously published as pathogenic or benign to our knowledge

NM_001242896.3(DEPDC5):c.3823G>A (p.Ala1275Thr)

Gene: DEPDC5 (DEP domain containing 5, GATOR1 subcomplex subunit; plus strand). Cytogenetic location: 22q12.3.
Variant type: single nucleotide variant.
Coding change: c.3823G>A on transcript NM_001242896.3 (MANE Select); coding-DNA position 3823, G replaced by A.
Protein change: p.Ala1275Thr; replaces alanine 1275 with threonine.
Molecular consequence: missense variant. On other transcripts: non-coding transcript variant (5).
Genome position (GRCh38, 1-based): chr22:31,879,542, G>A. VCF-style: chr22-31879542-G-A. GRCh37 (hg19) VCF-style: chr22-32275528-G-A.
Other names: c.3796G>A, p.Ala1266Thr (NM_001136029.4); c.3523G>A, p.Ala1175Thr (NM_001242897.2); c.3757G>A, p.Ala1253Thr (NM_001363852.2, NM_001364320.2); c.3589G>A, p.Ala1197Thr (NM_001363854.2, NM_001364319.2); c.3823G>A, p.Ala1275Thr (NM_001364318.2); c.3739G>A, p.Ala1247Thr (NM_001369901.1, NM_001369902.1); c.3730G>A, p.Ala1244Thr (NM_001369903.1, NM_014662.6); short protein forms A1197T, A1253T, A1275T, A1175T, A1244T, A1247T, A1266T.
Identifiers: ClinVar variation 840765 (VCV000840765.10), dbSNP rs1453526282, ClinGen allele CA411281632.
Genomic context (GRCh38, chr22:31,879,542, plus strand): 5'-CATTTGTGTTGAGTACTCCTTCTCTCCCCTCCACTTTTCCCAGTGGCCATGCAGCAGCCC[G>A]CCACCACCTGGCACACAGCAGGAGTGGACGACTTCGCCAGCTTCCAGCGCAAGTGGTTTG-3'
Protein context (NP_001229825.1, residues 1265-1285): EPDRVAMQQP[Ala1275Thr]TTWHTAGVDD